The following is an entry in ClinVar:

NM_203447.4(DOCK8):c.560_561insAGCGA (p.Asp187fs)

Gene: DOCK8 (dedicator of cytokinesis 8; plus strand). Cytogenetic location: 9p24.3.
Variant type: Insertion.
Coding change: c.560_561insAGCGA on transcript NM_203447.4 (MANE Select); coding-DNA positions 560 to 561, AGCGA inserted.
Protein change: p.Asp187fs; shifts the reading frame from aspartic acid 187.
Molecular consequence: frameshift variant.
Genome position: GRCh38 VCF-style: chr9-311981-T-TGCGAA. GRCh37 (hg19) VCF-style: chr9-311981-T-TGCGAA.
Other names: c.356_357insAGCGA, p.Asp119fs (NM_001190458.2, NM_001193536.2); short protein forms D119fs, D187fs.
Identifiers: ClinVar variation 1339151 (VCV001339151.2), dbSNP rs2130697082, ClinGen allele CA2573053172.

ClinVar aggregate classification (germline): Likely pathogenic (1 of 4 stars; one submission).

Conditions:
Combined immunodeficiency due to DOCK8 deficiency (HIES2). Also called: Hyper-IgE recurrent infection syndrome, autosomal recessive; HIES autosomal recessive; HYPER-IgE SYNDROME 2, AUTOSOMAL RECESSIVE, WITH RECURRENT INFECTIONS; HYPER-IgE RECURRENT INFECTION SYNDROME 2, AUTOSOMAL RECESSIVE; DOCK8 Deficiency. Identifiers: Orphanet 217390, MedGen C4722305, MONDO:0009478, OMIM 243700.

Submission:

Neuberg Centre For Genomic Medicine, NCGM
Classification: Likely pathogenic for Combined immunodeficiency due to DOCK8 deficiency. Review status: criteria provided, single submitter. Criteria: ACMG Guidelines, 2015. Collection method: clinical testing. Allele origin: germline. Affected: yes.
Comment: The frameshift insertion p.D187Efs*26 in DOCK8 (NM_203447.4) has not been reported previously as a pathogenic variant nor as a benign variant, to our knowledge. The p.D187Efs*26 variant is novel (not in any individuals) in gnomAD Exomes and is novel (not in any individuals) in 1000 Genomes. This variant is predicted to cause loss of normal protein function through protein truncation. For these reasons, this variant has been classified as Likely Pathogenic.